The following is an entry in ClinVar:

ClinVar aggregate classification (germline): Uncertain significance. Review status: criteria provided, single submitter (1 of 4 stars). 2 submissions from 2 submitters: Uncertain significance (1). 1 of the submissions does not count toward it. Last evaluated 2022-08-15.

Conditions:
BBIP1-related disorder. Also called: BBIP1-related condition.

Allele frequency attached by ClinVar (database versions not stated): TOPMed below 0.00001; gnomAD exomes 0.00001.

Submissions (2):

Labcorp Genetics (formerly Invitae), Labcorp
Classification: Uncertain significance. Last evaluated: 2022-08-15. Review status: criteria provided, single submitter. Criteria: Invitae Variant Classification Sherloc (09022015). Collection method: clinical testing. Allele origin: germline.
Comment: In summary, the available evidence is currently insufficient to determine the role of this variant in disease. Therefore, it has been classified as a Variant of Uncertain Significance. Algorithms developed to predict the effect of missense changes on protein structure and function output the following: SIFT: "Tolerated"; PolyPhen-2: "Benign"; Align-GVGD: "Class C25". The threonine amino acid residue is found in multiple mammalian species, which suggests that this missense change does not adversely affect protein function. This variant has not been reported in the literature in individuals affected with BBIP1-related conditions. This variant is present in population databases (no rsID available, gnomAD 0.01%). This sequence change replaces methionine, which is neutral and non-polar, with threonine, which is neutral and polar, at codon 82 of the BBIP1 protein (p.Met82Thr).

PreventionGenetics, part of Exact Sciences
Classification: Uncertain significance for BBIP1-related condition. Last evaluated: 2024-04-11. Review status: no assertion criteria provided. Collection method: clinical testing. Allele origin: germline. Not counted in ClinVar's aggregate classification.
Comment: The BBIP1 c.245T>C variant is predicted to result in the amino acid substitution p.Met82Thr. To our knowledge, this variant has not been reported in the literature. This variant is reported in 0.0095% of alleles in individuals of East Asian descent in gnomAD. At this time, the clinical significance of this variant is uncertain due to the absence of conclusive functional and genetic evidence.

NM_001195305.3(BBIP1):c.245T>C (p.Met82Thr)

Gene: BBIP1 (BBSome interacting protein 1; minus strand). Cytogenetic location: 10q25.2.
Variant type: single nucleotide variant.
Coding change: c.245T>C on transcript NM_001195305.3 (MANE Select); coding-DNA position 245, T replaced by C.
Protein change: p.Met82Thr; replaces methionine 82 with threonine.
Molecular consequence: missense variant. On other transcripts: 3 prime UTR variant (1).
Genome position (GRCh38, 1-based): chr10:110,900,394, A>G on the plus strand (T>C on the coding strand, the complement: BBIP1 is on the minus strand). VCF-style: chr10-110900394-A-G. GRCh37 (hg19) VCF-style: chr10-112660152-A-G.
Other names: c.245T>C, p.Met82Thr (NM_001195306.2); c.170T>C, p.Met57Thr (NM_001195307.2); c.179T>C, p.Met60Thr (NM_001243783.3); c.*90T>C (NM_001195304.2); c.245T>C (NM_001195306.1); short protein forms M57T, M82T, M60T.
Identifiers: ClinVar variation 1951563 (VCV001951563.6), dbSNP rs1262336148, ClinGen allele CA378388645.